The following is an entry in ClinVar:

ClinVar aggregate classification (germline): Pathogenic (1 of 4 stars; one submission).

Conditions:
Jeune thoracic dystrophy. Also called: Jeune syndrome; Infantile thoracic dystrophy; Thoracic pelvic phalangeal dystrophy; Jeune's syndrome; Chondroectodermal dysplasia-like syndrome; Short-rib thoracic dysplasia. Identifiers: Orphanet 474, MedGen C0265275, MONDO:0018770.
Nephronophthisis. Also called: Juvenile Nephronophthisis. Identifiers: Orphanet 655, MedGen C0687120, MONDO:0019005, HP:0000090.

Submission:

Labcorp Genetics (formerly Invitae), Labcorp
Classification: Pathogenic for Jeune thoracic dystrophy; Nephronophthisis. Last evaluated: 2022-07-12. Review status: criteria provided, single submitter. Criteria: Invitae Variant Classification Sherloc (09022015). Collection method: clinical testing. Allele origin: germline.
Comment: For these reasons, this variant has been classified as Pathogenic. ClinVar contains an entry for this variant (Variation ID: 1372589). This variant has not been reported in the literature in individuals affected with TTC21B-related conditions. This variant is not present in population databases (gnomAD no frequency). This sequence change creates a premature translational stop signal (p.Ala1049Leufs*15) in the TTC21B gene. It is expected to result in an absent or disrupted protein product. Loss-of-function variants in TTC21B are known to be pathogenic (PMID: 18327258, 21068128, 21258341, 23559409, 24876116, 25492405, 27491411, 29068549).

Literature cited by the submitters: PubMed 18327258; PubMed 21068128; PubMed 21258341; PubMed 23559409; PubMed 24876116; PubMed 25492405; PubMed 27491411; PubMed 29068549.

NM_024753.5(TTC21B):c.3144del (p.Ala1049fs)

Gene: TTC21B (tetratricopeptide repeat domain 21B; minus strand). Cytogenetic location: 2q24.3.
Variant type: Deletion.
Coding change: c.3144del on transcript NM_024753.5 (MANE Select); coding-DNA position 3144, one base deleted (A; older notation c.3144delA).
Protein change: p.Ala1049fs; shifts the reading frame from alanine 1049.
Molecular consequence: frameshift variant.
Genome position (GRCh38, 1-based): chr2:165,890,598, T deleted on the plus strand (A on the coding strand, the reverse complement: TTC21B is on the minus strand); the first of 3 consecutive T bases (chr2:165,890,598-165,890,600); deleting any one gives the same sequence. VCF-style (leftmost placement, unchanged base first): chr2-165890597-CT-C. GRCh37 (hg19) VCF-style: chr2-166747107-CT-C.
Other names: short protein forms A1049fs.
Identifiers: ClinVar variation 1372589 (VCV001372589.6), dbSNP rs2105291679, ClinGen allele CA2573133469.